The following is an entry in ClinVar:

NM_003664.5(AP3B1):c.1034G>A (p.Ser345Asn)

Gene: AP3B1 (adaptor related protein complex 3 subunit beta 1; minus strand). Cytogenetic location: 5q14.1.
Variant type: single nucleotide variant.
Coding change: c.1034G>A on transcript NM_003664.5 (MANE Select); coding-DNA position 1034, G replaced by A.
Protein change: p.Ser345Asn; replaces serine 345 with asparagine.
Molecular consequence: missense variant.
Genome position (GRCh38, 1-based): chr5:78,177,345, C>T on the plus strand (G>A on the coding strand, the complement: AP3B1 is on the minus strand). VCF-style: chr5-78177345-C-T. GRCh37 (hg19) VCF-style: chr5-77473169-C-T.
Other names: c.887G>A, p.Ser296Asn (NM_001271769.2); short protein forms S296N, S345N.
Identifiers: ClinVar variation 1009652 (VCV001009652.6), dbSNP rs750036781, ClinGen allele CA3317234.

ClinVar aggregate classification (germline): Uncertain significance (1 of 4 stars; one submission).

Conditions:
Hermansky-Pudlak syndrome 2 (HPS2). Also called: Platelet defects and oculocutaneous albinism. Identifiers: Orphanet 183678, Orphanet 79430, MedGen C1842362, MONDO:0011997, OMIM 608233.

Allele frequency attached by ClinVar (database versions not stated): gnomAD exomes below 0.00001 and 0.00001; ExAC 0.00001; gnomAD 0.00001; TOPMed 0.00001.
gnomAD v4.1: 6 of 1,610,762 alleles (0.00037%); highest among the groups gnomAD compares: East Asian, 0.0089%; no homozygotes.

Submission:

Labcorp Genetics (formerly Invitae), Labcorp
Classification: Uncertain significance for Hermansky-Pudlak syndrome 2. Last evaluated: 2022-02-10. Review status: criteria provided, single submitter. Criteria: Invitae Variant Classification Sherloc (09022015). Collection method: clinical testing. Allele origin: germline.
Comment: ClinVar contains an entry for this variant (Variation ID: 1009652). In summary, the available evidence is currently insufficient to determine the role of this variant in disease. Therefore, it has been classified as a Variant of Uncertain Significance. Algorithms developed to predict the effect of missense changes on protein structure and function (SIFT, PolyPhen-2, Align-GVGD) all suggest that this variant is likely to be tolerated. This variant has not been reported in the literature in individuals affected with AP3B1-related conditions. This variant is present in population databases (rs750036781, gnomAD 0.01%). This sequence change replaces serine, which is neutral and polar, with asparagine, which is neutral and polar, at codon 345 of the AP3B1 protein (p.Ser345Asn).